The following is an entry in ClinVar:

ClinVar aggregate classification (germline): Conflicting classifications of pathogenicity. Review status: criteria provided, conflicting classifications (1 of 4 stars). 2 submissions from 2 submitters: Uncertain significance (1); Benign (1). Last evaluated 2022-02-22.

Conditions:
Dihydropyrimidine dehydrogenase deficiency (DPYDD). Also called: DPD DEFICIENCY; DPYD DEFICIENCY; Hereditary Thymine-Uraciluria. Identifiers: Orphanet 1675, MedGen C1959620, MONDO:0010130, OMIM 274270.

Allele frequency attached by ClinVar (database versions not stated): ExAC 0.00003; gnomAD exomes 0.00010 and 0.00047; 1000 Genomes Project 30x 0.00031; 1000 Genomes Project 0.00040; gnomAD 0.00126 and 0.00130; TOPMed 0.00144.
gnomAD v4.1: 329 of 1,613,878 alleles (0.02%); highest among the groups gnomAD compares: Admixed American, 0.54%; 6 homozygotes.

Submissions (2):

Women's Health and Genetics/Laboratory Corporation of America, LabCorp
Classification: Benign. Last evaluated: 2022-02-22. Review status: criteria provided, single submitter. Criteria: LabCorp Variant Classification Summary - May 2015. Collection method: clinical testing. Allele origin: germline.
Comment: Variant summary: DPYD c.2485G>A (p.Asp829Asn) results in a conservative amino acid change located in the Dihydroorotate dehydrogenase domain (IPR005720) of the encoded protein sequence. Four of five in-silico tools predict a damaging effect of the variant on protein function. The variant allele was found at a frequency of 0.00047 in 250672 control chromosomes, predominantly at a frequency of 0.0034 within the Latino subpopulation in the gnomAD database, including 2 homozygotes. The observed variant frequency within Latino control individuals in the gnomAD database is approximately 1.4-fold of the estimated maximal expected allele frequency for a pathogenic variant in DPYD causing Dihydropyrimidine Dehydrogenase Deficiency phenotype (0.0025), strongly suggesting that the variant is a benign polymorphism found primarily in populations of Latino origin. To our knowledge, no occurrence of c.2485G>A in individuals affected with Dihydropyrimidine Dehydrogenase Deficiency has been reported. Experimental evidence evaluating an impact on protein function demonstrated the variant to have in vitro DPD activity similar to wild-type (Shreshta_2018). No clinical diagnostic laboratories have submitted clinical-significance assessments for this variant to ClinVar after 2014. Based on the evidence outlined above, the variant was classified as benign.

Revvity Omics, Revvity
Classification: Uncertain significance for Dihydropyrimidine dehydrogenase deficiency. Last evaluated: 2020-09-04. Review status: criteria provided, single submitter. Criteria: ACMG Guidelines, 2015. Collection method: clinical testing. Allele origin: germline.

Literature cited by the submitters: PubMed 29327356 (cited by Women's Health and Genetics/Laboratory Corporation of America, LabCorp).

NM_000110.4(DPYD):c.2485G>A (p.Asp829Asn)

Genes: DPYD (dihydropyrimidine dehydrogenase; minus strand), DPYD-AS1 (DPYD antisense RNA 1; plus strand). Cytogenetic location: 1p21.3.
Variant type: single nucleotide variant.
Coding change: c.2485G>A on transcript NM_000110.4 (MANE Select); coding-DNA position 2485, G replaced by A.
Protein change: p.Asp829Asn; replaces aspartic acid 829 with asparagine.
Molecular consequence: missense variant.
Genome position (GRCh38, 1-based): chr1:97,193,206, C>T on the plus strand (G>A on the coding strand, the complement: DPYD is on the minus strand). VCF-style: chr1-97193206-C-T. GRCh37 (hg19) VCF-style: chr1-97658762-C-T.
Other names: short protein forms D829N.
Identifiers: ClinVar variation 1343425 (VCV001343425.4), dbSNP rs199777072, ClinGen allele CA963019.